The following is an entry in ClinVar:

NM_005472.5(KCNE3):c.69del (p.Thr24fs)

Gene: KCNE3 (potassium voltage-gated channel subfamily E regulatory subunit 3; minus strand). Cytogenetic location: 11q13.4.
Variant type: Deletion.
Coding change: c.69del on transcript NM_005472.5 (MANE Select); coding-DNA position 69, one base deleted (C; older notation c.69delC).
Protein change: p.Thr24fs; shifts the reading frame from threonine 24.
Molecular consequence: frameshift variant.
Genome position (GRCh38, 1-based): chr11:74,457,495, G deleted on the plus strand (C on the coding strand, the reverse complement: KCNE3 is on the minus strand); the first of 2 consecutive G bases (chr11:74,457,495-74,457,496); deleting either gives the same sequence. VCF-style (leftmost placement, unchanged base first): chr11-74457494-TG-T. GRCh37 (hg19) VCF-style: chr11-74168539-TG-T.
Other names: c.69delC (NM_005472.4); short protein forms T24fs.
Identifiers: ClinVar variation 523951 (VCV000523951.11), dbSNP rs547172459, ClinGen allele CA6184864.

ClinVar aggregate classification (germline): Conflicting classifications of pathogenicity. Review status: criteria provided, conflicting classifications (1 of 4 stars). 4 submissions from 4 submitters: Uncertain significance (3); Likely benign (1). Last evaluated 2025-03-26.

Conditions:
Cardiovascular phenotype. Identifiers: MedGen CN230736.
Brugada syndrome 6 (BRGDA6). Identifiers: Orphanet 130, MedGen C2751089, MONDO:0013145, OMIM 613119.

Submissions (4):

Labcorp Genetics (formerly Invitae), Labcorp
Classification: Uncertain significance for Brugada syndrome 6. Last evaluated: 2025-03-26. Review status: criteria provided, single submitter. Criteria: Invitae Variant Classification Sherloc (09022015). Collection method: clinical testing. Allele origin: germline.
Comment: This sequence change creates a premature translational stop signal (p.Thr24Leufs*47) in the KCNE3 gene. While this is not anticipated to result in nonsense mediated decay, it is expected to disrupt the last 80 amino acid(s) of the KCNE3 protein. This variant is present in population databases (rs547172459, gnomAD 0.03%). This variant has not been reported in the literature in individuals affected with KCNE3-related conditions. ClinVar contains an entry for this variant (Variation ID: 523951). In summary, the available evidence is currently insufficient to determine the role of this variant in disease. Therefore, it has been classified as a Variant of Uncertain Significance.

Ambry Genetics
Classification: Likely benign for Cardiovascular phenotype. Last evaluated: 2024-06-28. Review status: criteria provided, single submitter. Criteria: Ambry Variant Classification Scheme 2023. Collection method: clinical testing. Allele origin: germline.

AiLife Diagnostics
Classification: Uncertain significance. Last evaluated: 2021-09-20. Review status: criteria provided, single submitter. Criteria: ACMG Guidelines, 2015. Collection method: clinical testing. Allele origin: germline. Affected: yes. Observed: 1 variant allele.

GeneDx
Classification: Uncertain significance. Last evaluated: 2018-05-02. Review status: criteria provided, single submitter. Criteria: GeneDx Variant Classification (06012015). Collection method: clinical testing. Allele origin: germline. Affected: yes.
Comment: The c.69delC variant in the KCNE3 gene has not been reported previously as a pathogenic variant nor as a benign variant, to our knowledge. The c.69delC variant causes a frameshift starting with codon Threonine 24, changes this amino acid to a Leucine residue, and creates a premature Stop codon at position 47 of the new reading frame, denoted p.Thr24LeufsX47. This variant is predicted to cause loss of normal protein function through protein truncation, as the last typical 80 amino acids are replaced with 46 incorrect amino acids. The c.69delC variant is observed in 8/24018 (0.033%) alleles from individuals of African background in large population cohorts (Lek et al., 2016). We interpret c.69delC as a variant of uncertain significance.